The following is an entry in ClinVar:

ClinVar aggregate classification (germline): Uncertain significance (1 of 4 stars; one submission).

Conditions:
Hereditary sensory and autonomic neuropathy type 6. Also called: Neuropathy, hereditary sensory and autonomic, type VI; HSAN VI. Identifiers: Orphanet 314381, MedGen C3539003, MONDO:0013839, OMIM 614653.
Epidermolysis bullosa simplex 3, localized or generalized intermediate, with BP230 deficiency (EBS3). Also called: Epidermolysis bullosa simplex, autosomal recessive 2; Epidermolysis bullosa simplex due to BP230 deficiency. Identifiers: Orphanet 412181, MedGen C3809470, MONDO:0014180, OMIM 615425.

Submission:

Labcorp Genetics (formerly Invitae), Labcorp
Classification: Uncertain significance for Epidermolysis bullosa simplex 3, localized or generalized intermediate, with BP230 deficiency; Hereditary sensory and autonomic neuropathy type 6. Last evaluated: 2020-01-24. Review status: criteria provided, single submitter. Criteria: Invitae Variant Classification Sherloc (09022015). Collection method: clinical testing. Allele origin: germline.
Comment: This sequence change replaces serine with tyrosine at codon 4286 of the DST protein (p.Ser4286Tyr). The serine residue is weakly conserved and there is a large physicochemical difference between the two amino acids. The DST gene has multiple clinically relevant transcripts. This variant occurs in alternate transcript NM_015548.4, and corresponds to NM_001723.5:c.*123259C>A in the primary transcript. In summary, the available evidence is currently insufficient to determine the role of this variant in disease. Therefore, it has been classified as a Variant of Uncertain Significance. Experimental studies and prediction algorithms are not available or were not evaluated, and the functional significance of this variant is currently unknown. This variant has not been reported in the literature in individuals with DST-related conditions. This variant is not present in population databases (ExAC no frequency).

NM_001374736.1(DST):c.20726C>A (p.Ser6909Tyr)

Gene: DST (dystonin; minus strand). Cytogenetic location: 6p12.1.
Variant type: single nucleotide variant.
Coding change: c.20726C>A on transcript NM_001374736.1 (MANE Select); coding-DNA position 20726, C replaced by A.
Protein change: p.Ser6909Tyr; replaces serine 6909 with tyrosine.
Molecular consequence: missense variant.
Genome position (GRCh38, 1-based): chr6:56,492,258, G>T on the plus strand (C>A on the coding strand, the complement: DST is on the minus strand). VCF-style: chr6-56492258-G-T. GRCh37 (hg19) VCF-style: chr6-56357056-G-T.
Other names: c.14369C>A, p.Ser4790Tyr (NM_001144769.5); c.13955C>A, p.Ser4652Tyr (NM_001144770.2); c.20726C>A, p.Ser6909Tyr (NM_001374722.1); c.19766C>A, p.Ser6589Tyr (NM_001374729.1); c.13508C>A, p.Ser4503Tyr (NM_001374730.1); c.20753C>A, p.Ser6918Tyr (NM_001374734.1); c.13835C>A, p.Ser4612Tyr (NM_001386100.1, NM_183380.4); c.12857C>A, p.Ser4286Tyr (NM_015548.5); short protein forms S4790Y, S4286Y, S4652Y, S6909Y, S6918Y, S4612Y, S6589Y, S4503Y.
Identifiers: ClinVar variation 1036306 (VCV001036306.7), dbSNP rs371015718, ClinGen allele CA364515208.